The following is an entry in ClinVar:

ClinVar aggregate classification (germline): Uncertain significance (1 of 4 stars; one submission).

gnomAD v4.1: 5 of 1,614,066 alleles (0.00031%); highest among the groups gnomAD compares: South Asian, 0.0011%; no homozygotes.

Submission:

Labcorp Genetics (formerly Invitae), Labcorp
Classification: Uncertain significance. Last evaluated: 2024-10-30. Review status: criteria provided, single submitter. Criteria: Invitae Variant Classification Sherloc (09022015). Collection method: clinical testing. Allele origin: germline.
Comment: This sequence change replaces isoleucine, which is neutral and non-polar, with valine, which is neutral and non-polar, at codon 134 of the GCLC protein (p.Ile134Val). This variant is present in population databases (rs763372099, gnomAD 0.0009%). This variant has not been reported in the literature in individuals affected with GCLC-related conditions. An algorithm developed to predict the effect of missense changes on protein structure and function outputs the following: PolyPhen-2: "Benign". The valine amino acid residue is found in multiple mammalian species, which suggests that this missense change does not adversely affect protein function. In summary, the available evidence is currently insufficient to determine the role of this variant in disease. Therefore, it has been classified as a Variant of Uncertain Significance.

NM_001498.4(GCLC):c.400A>G (p.Ile134Val)

Gene: GCLC (glutamate-cysteine ligase catalytic subunit; minus strand). Cytogenetic location: 6p12.1.
Variant type: single nucleotide variant.
Coding change: c.400A>G on transcript NM_001498.4 (MANE Select); coding-DNA position 400, A replaced by G.
Protein change: p.Ile134Val; replaces isoleucine 134 with valine.
Molecular consequence: missense variant.
Genome position (GRCh38, 1-based): chr6:53,520,824, T>C on the plus strand (A>G on the coding strand, the complement: GCLC is on the minus strand). VCF-style: chr6-53520824-T-C. GRCh37 (hg19) VCF-style: chr6-53385622-T-C.
Other names: c.400A>G, p.Ile134Val (NM_001197115.2); short protein forms I134V.
Identifiers: ClinVar variation 3612624 (VCV003612624.2).